The following is an entry in ClinVar:

NM_000416.3(IFNGR1):c.573_574dup (p.Glu192fs)

Gene: IFNGR1 (interferon gamma receptor 1; minus strand). Cytogenetic location: 6q23.3.
Variant type: Duplication.
Coding change: c.573_574dup on transcript NM_000416.3 (MANE Select); coding-DNA positions 573 to 574, 2 bases duplicated (GG; older notation c.573_574dupGG).
Protein change: p.Glu192fs; shifts the reading frame from glutamic acid 192.
Molecular consequence: frameshift variant.
Genome position (GRCh38, 1-based): chr6:137,203,658-137,203,659, CC duplicated on the plus strand (GG on the coding strand, the reverse complement: IFNGR1 is on the minus strand). VCF-style (leftmost placement, unchanged base first): chr6-137203657-T-TCC. GRCh37 (hg19) VCF-style: chr6-137524794-T-TCC.
Other names: c.543_544dup, p.Glu182fs (NM_001363526.1); c.450_451dup, p.Glu151fs (NM_001363527.1); short protein forms E151fs, E182fs, E192fs.
Identifiers: ClinVar variation 4292897 (VCV004292897.1).
Genomic context (GRCh38, chr6:137,203,657, plus strand): 5'-TGAGAATTCAGTGAGGATACTGGAATCGCTAACTGGCACTGAATCTCGTCACAATCATCT[T>TCC]CCTTCTGCGTGAGTATTTTATACTGGATCTAGATGAAAAAAGAAAACAGTGAAAATGCAC-3'

ClinVar aggregate classification (germline): Pathogenic (1 of 4 stars; one submission).

Conditions:
Immunodeficiency 27A (IMD27A). Also called: IMMUNODEFICIENCY 27A, MYCOBACTERIOSIS, AUTOSOMAL RECESSIVE; IFNGR1 DEFICIENCY, AUTOSOMAL RECESSIVE. Identifiers: Orphanet 319569, Orphanet 99898, MedGen C4011949, MONDO:0008856, OMIM 209950.

Submission:

3billion
Classification: Pathogenic for Immunodeficiency 27A. Last evaluated: 2025-04-17. Review status: criteria provided, single submitter. Criteria: ACMG Guidelines, 2015. Collection method: clinical testing. Allele origin: germline. Affected: yes.
Comment: The variant is not observed in the gnomAD v4.1.0 dataset. Predicted Consequence/Location: Frameshift: predicted to result in a loss or disruption of normal protein function through nonsense-mediated decay (NMD) or protein truncation. Multiple pathogenic variants are reported downstream of the variant. The variant was homozygous. The variant was homozygous.